The following is an entry in ClinVar:

NM_000420.3(KEL):c.736-10C>T

Gene: KEL (Kell metallo-endopeptidase (Kell blood group); minus strand). Cytogenetic location: 7q34.
Variant type: single nucleotide variant.
Coding change: c.736-10C>T on transcript NM_000420.3 (MANE Select); 10 bases into the intron before coding-DNA position 736, C replaced by T.
Molecular consequence: intron variant.
Genome position (GRCh38, 1-based): chr7:142,954,382, G>A on the plus strand (C>T on the coding strand, the complement: KEL is on the minus strand). VCF-style: chr7-142954382-G-A. GRCh37 (hg19) VCF-style: chr7-142651469-G-A.
Identifiers: ClinVar variation 3351113 (VCV003351113.1).

ClinVar aggregate classification (germline): Likely benign (0 of 4 stars; one submission).

Conditions:
KEL-related disorder. Also called: KEL-related condition.

gnomAD v4.1: 22,670 of 1,614,074 alleles (1.4%); highest among the groups gnomAD compares: Admixed American, 4%; 282 homozygotes.

Submission:

PreventionGenetics, part of Exact Sciences
Classification: Likely benign for KEL-related condition. Last evaluated: 2024-09-21. Review status: no assertion criteria provided. Collection method: clinical testing. Allele origin: germline.
Comment: This variant is classified as likely benign based on ACMG/AMP sequence variant interpretation guidelines (Richards et al. 2015 PMID: 25741868, with internal and published modifications).